The following is an entry in ClinVar:

ClinVar aggregate classification (germline): Uncertain significance. Review status: criteria provided, multiple submitters, no conflicts (2 of 4 stars). 2 submissions from 2 submitters: Uncertain significance (2). Last evaluated 2025-03-12.

Conditions:
Multiple endocrine neoplasia, type 2 (MEN2). Identifiers: Orphanet 653, MedGen C4048306, MONDO:0019003. Disease mechanism: gain of function.
Hereditary cancer-predisposing syndrome. Also called: Neoplastic Syndromes, Hereditary; Tumor predisposition; Hereditary Cancer Syndrome; Hereditary neoplastic syndrome. Identifiers: Orphanet 140162, MedGen C0027672, MeSH D009386, MONDO:0015356.

Submissions (2):

Labcorp Genetics (formerly Invitae), Labcorp
Classification: Uncertain significance for Multiple endocrine neoplasia, type 2. Last evaluated: 2025-03-12. Review status: criteria provided, single submitter. Criteria: Invitae Variant Classification Sherloc (09022015). Collection method: clinical testing. Allele origin: germline.
Comment: This sequence change replaces asparagine, which is neutral and polar, with threonine, which is neutral and polar, at codon 763 of the RET protein (p.Asn763Thr). This variant is not present in population databases (gnomAD no frequency). This variant has not been reported in the literature in individuals affected with RET-related conditions. ClinVar contains an entry for this variant (Variation ID: 3432212). An algorithm developed to predict the effect of missense changes on protein structure and function (PolyPhen-2) suggests that this variant is likely to be disruptive. In summary, the available evidence is currently insufficient to determine the role of this variant in disease. Therefore, it has been classified as a Variant of Uncertain Significance.

Ambry Genetics
Classification: Uncertain significance for Hereditary cancer-predisposing syndrome. Last evaluated: 2024-09-15. Review status: criteria provided, single submitter. Criteria: Ambry Variant Classification Scheme 2023. Collection method: clinical testing. Allele origin: germline.
Comment: The p.N763T variant (also known as c.2288A>C), located in coding exon 13 of the RET gene, results from an A to C substitution at nucleotide position 2288. The asparagine at codon 763 is replaced by threonine, an amino acid with similar properties. This amino acid position is conserved. In addition, the in silico prediction for this alteration is inconclusive. Based on the available evidence, the clinical significance of this variant remains unclear.

NM_020975.6(RET):c.2288A>C (p.Asn763Thr)

Gene: RET (ret proto-oncogene; plus strand). Cytogenetic location: 10q11.21.
Variant type: single nucleotide variant.
Coding change: c.2288A>C on transcript NM_020975.6 (MANE Select); coding-DNA position 2288, A replaced by C.
Protein change: p.Asn763Thr; replaces asparagine 763 with threonine.
Molecular consequence: missense variant.
Genome position (GRCh38, 1-based): chr10:43,118,376, A>C. VCF-style: chr10-43118376-A-C. GRCh37 (hg19) VCF-style: chr10-43613824-A-C.
Other names: c.1526A>C, p.Asn509Thr (NM_001355216.2); c.2288A>C, p.Asn763Thr (NM_001406743.1, NM_001406744.1, NM_001406759.1 and 2 more transcripts); c.2159A>C, p.Asn720Thr (NM_001406761.1, NM_001406762.1, NM_001406764.1); c.2153A>C, p.Asn718Thr (NM_001406763.1, NM_001406765.1); c.2000A>C, p.Asn667Thr (NM_001406766.1, NM_001406767.1, NM_001406770.1); c.2024A>C, p.Asn675Thr (NM_001406768.1); c.1892A>C, p.Asn631Thr (NM_001406769.1, NM_001406772.1); c.1850A>C, p.Asn617Thr (NM_001406771.1, NM_001406773.1); and 10 more; short protein forms N328T, N421T, N675T, N720T, N419T, N763T, N280T, N424T.
Identifiers: ClinVar variation 3432212 (VCV003432212.2).